The following is an entry in ClinVar:

ClinVar aggregate classification (germline): Likely pathogenic (1 of 4 stars; one submission).

Conditions:
Leber congenital amaurosis (LCA). Also called: Leber's amaurosis. Identifiers: Orphanet 65, MedGen C0339527, MeSH D057130, MONDO:0018998.

Submission:

Natera, Inc.
Classification: Likely pathogenic for Leber congenital amaurosis. Last evaluated: 2024-04-15. Review status: criteria provided, single submitter. Criteria: Natera Variant Classification Schema (03/2026). Collection method: clinical testing. Allele origin: germline.
Comment: The c.5353dupA variant in CEP290 is a frameshift variant predicted to shift the reading frame beginning at codon 1785 and leads to a stop codon 8 codons downstream. This variant is expected to result in nonsense mediated decay, truncation, or a dysfunctional protein product. This variant is rare in the general population with a frequency below the threshold expected for the associated phenotype(s). Given the available evidence, this variant is classified as Likely Pathogenic.

NM_025114.4(CEP290):c.5353dup (p.Arg1785fs)

Gene: CEP290 (centrosomal protein 290; minus strand). Cytogenetic location: 12q21.32.
Variant type: Duplication.
Coding change: c.5353dup on transcript NM_025114.4 (MANE Select); coding-DNA position 5353, one base duplicated (A; older notation c.5353dupA).
Protein change: p.Arg1785fs; shifts the reading frame from arginine 1785.
Molecular consequence: frameshift variant.
Genome position (GRCh38, 1-based): chr12:88,079,103, T duplicated on the plus strand (A on the coding strand, the reverse complement: CEP290 is on the minus strand). VCF-style (leftmost placement, unchanged base first): chr12-88079102-C-CT. GRCh37 (hg19) VCF-style: chr12-88472879-C-CT.
Other names: short protein forms R1785fs.
Identifiers: ClinVar variation 4816224 (VCV004816224.1).